The following is an entry in ClinVar:

ClinVar aggregate classification (germline): Uncertain significance. Review status: criteria provided, multiple submitters, no conflicts (2 of 4 stars). 3 submissions from 3 submitters: Uncertain significance (3). Last evaluated 2023-11-15.

Conditions:
Hypertrophic cardiomyopathy 4. Also called: Familial hypertrophic cardiomyopathy 4. Identifiers: MedGen C1861862, MONDO:0007268, OMIM 115197.
Hypertrophic cardiomyopathy. Also called: HYPERTROPHIC MYOCARDIOPATHY. Identifiers: Orphanet 217569, MedGen C0007194, MeSH D002312, MONDO:0005045, HP:0001639.
Cardiovascular phenotype. Identifiers: MedGen CN230736.

Submissions (3):

Labcorp Genetics (formerly Invitae), Labcorp
Classification: Uncertain significance for Hypertrophic cardiomyopathy. Last evaluated: 2023-11-15. Review status: criteria provided, single submitter. Criteria: Invitae Variant Classification Sherloc (09022015). Collection method: clinical testing. Allele origin: germline.
Comment: This variant, c.3188_3190del, results in the deletion of 1 amino acid(s) of the MYBPC3 protein (p.Val1063del), but otherwise preserves the integrity of the reading frame. This variant is not present in population databases (gnomAD no frequency). This variant has been observed in individual(s) with hypertrophic cardiomyopathy (PMID: 28790153, 30645170; Invitae). ClinVar contains an entry for this variant (Variation ID: 810762). Algorithms developed to predict the effect of sequence changes on RNA splicing suggest that this variant may disrupt the consensus splice site. In summary, the available evidence is currently insufficient to determine the role of this variant in disease. Therefore, it has been classified as a Variant of Uncertain Significance.

Ambry Genetics
Classification: Uncertain significance for Cardiovascular phenotype. Last evaluated: 2019-03-14. Review status: criteria provided, single submitter. Criteria: Ambry Variant Classification Scheme 2023. Collection method: clinical testing. Allele origin: germline.
Comment: The c.3188_3190delTTG variant (also known as p.V1063del) is located in coding exon 29 of the MYBPC3 gene. This variant results from an in-frame TTG deletion at nucleotide positions 3188 to 3190. This results in the in-frame deletion of a valine at codon 1063. In addition, this change occurs in the last three base pairs of coding exon 29, which makes it likely to have some effect on normal mRNA splicing. This amino acid position is not well conserved in available vertebrate species. Using the BDGP and ESEfinder splice site prediction tools, this alteration is predicted to abolish the native splice donor site; however, direct evidence is unavailable. Since supporting evidence is limited at this time, the clinical significance of this alteration remains unclear.

Agnes Ginges Centre for Molecular Cardiology, Centenary Institute
Classification: Uncertain significance for Hypertrophic cardiomyopathy 4. Last evaluated: 2018-11-26. Review status: criteria provided, single submitter. Criteria: ACMG Guidelines, 2015. Collection method: research. Allele origin: germline. Inheritance: Autosomal dominant inheritance. Affected: yes.
Comment: MYBPC3 Asp1064del is absent from the Genome Aggregation Database. Based on this information we classify this as a variant of 'uncertain significance'.

Literature cited by the submitters: PubMed 28790153 (cited by Labcorp Genetics (formerly Invitae), Labcorp and Ambry Genetics); PubMed 30645170 (cited by Labcorp Genetics (formerly Invitae), Labcorp); PubMed 19666196 (cited by Ambry Genetics); PubMed 28408708 (cited by Agnes Ginges Centre for Molecular Cardiology, Centenary Institute).

NM_000256.3(MYBPC3):c.3185TTG[1] (p.Val1063del)

Gene: MYBPC3 (myosin binding protein C3; minus strand). Cytogenetic location: 11p11.2.
Variant type: Microsatellite.
Coding change: c.3185TTG[1] on transcript NM_000256.3 (MANE Select); one copy of the 3-base unit TTG starting at c.3185; the reference has two copies in a row; one copy, 3 bases deleted; also written c.3188_3190del.
Protein change: p.Val1063del; deletes valine 1063.
Molecular consequence: inframe deletion.
Genome position (GRCh38, 1-based): chr11:47,333,557-47,333,559, CAA deleted on the plus strand (TTG on the coding strand, the reverse complement: MYBPC3 is on the minus strand); deleting any 3 consecutive bases within chr11:47,333,557-47,333,563 gives the same sequence; the position shown is the placement nearest the transcript's 3' end. VCF-style (leftmost placement, unchanged base first): chr11-47333556-CCAA-C. GRCh37 (hg19) VCF-style: chr11-47355107-CCAA-C.
Other names: c.3188_3190del (NM_000256.3); c.3188_3190delTTG (NM_000256.3); short protein forms V1063del.
Identifiers: ClinVar variation 810762 (VCV000810762.6), dbSNP rs1595841732, ClinGen allele CA915940864.